The following is an entry in ClinVar:

NM_000455.5(STK11):c.1249G>A (p.Ala417Thr)

Gene: STK11 (serine/threonine kinase 11; plus strand). Cytogenetic location: 19p13.3.
Variant type: single nucleotide variant.
Coding change: c.1249G>A on transcript NM_000455.5 (MANE Select); coding-DNA position 1249, G replaced by A.
Protein change: p.Ala417Thr; replaces alanine 417 with threonine.
Molecular consequence: missense variant.
Genome position (GRCh38, 1-based): chr19:1,226,594, G>A. VCF-style: chr19-1226594-G-A. GRCh37 (hg19) VCF-style: chr19-1226593-G-A.
Other names: short protein forms A417T.
Identifiers: ClinVar variation 183999 (VCV000183999.11), dbSNP rs587782876, ClinGen allele CA022532.

ClinVar aggregate classification (germline): Uncertain significance. Review status: criteria provided, multiple submitters, no conflicts (2 of 4 stars). 3 submissions from 3 submitters: Uncertain significance (3). Last evaluated 2024-03-06.

Conditions:
Hereditary cancer-predisposing syndrome. Also called: Tumor predisposition; Hereditary Cancer Syndrome; Hereditary neoplastic syndrome; Neoplastic Syndromes, Hereditary. Identifiers: Orphanet 140162, MedGen C0027672, MeSH D009386, MONDO:0015356.
Peutz-Jeghers syndrome (PJS). Also called: POLYPOSIS, HAMARTOMATOUS INTESTINAL; POLYPS-AND-SPOTS SYNDROME; Peutz-Jeghers polyposis; Periorificial lentiginosis syndrome. Identifiers: Orphanet 2869, MedGen C0031269, MeSH D010580, MONDO:0008280, OMIM 175200.

gnomAD v4.1: 1 of 1,566,294 alleles (0.000064%); highest among the groups gnomAD compares: Non-Finnish European, 0.000086%; no homozygotes.

Submissions (3):

Color Diagnostics, LLC DBA Color Health
Classification: Uncertain significance for Hereditary cancer-predisposing syndrome. Last evaluated: 2024-03-06. Review status: criteria provided, single submitter. Criteria: ACMG Guidelines, 2015. Collection method: clinical testing. Allele origin: germline.
Comment: This missense variant replaces alanine with threonine at codon 417 of the STK11 protein. Computational prediction suggests that this variant may not impact protein structure and function (internally defined REVEL score threshold <= 0.5, PMID: 27666373). To our knowledge, functional studies have not been reported for this variant. This variant has not been reported in individuals affected with hereditary cancer in the literature. This variant has not been identified in the general population by the Genome Aggregation Database (gnomAD). The available evidence is insufficient to determine the role of this variant in disease conclusively. Therefore, this variant is classified as a Variant of Uncertain Significance.

Genome-Nilou Lab
Classification: Uncertain significance for Peutz-Jeghers syndrome. Last evaluated: 2021-07-15. Review status: criteria provided, single submitter. Criteria: ACMG Guidelines, 2015. Collection method: clinical testing. Allele origin: germline. Affected: no.

Ambry Genetics
Classification: Uncertain significance for Hereditary cancer-predisposing syndrome. Last evaluated: 2014-05-29. Review status: criteria provided, single submitter. Criteria: Ambry Variant Classification Scheme 2023. Collection method: clinical testing. Allele origin: germline.
Comment: The p.A417T variant (also known as c.1249G>A), located in coding exon 9 of the STK11 gene, results from a G to A substitution at nucleotide position 1249. The alanine at codon 417 is replaced by threonine, an amino acid with similar properties. This variant was not reported in population based cohorts in the following databases: Database of Single Nucleotide Polymorphisms (dbSNP), NHLBI Exome Sequencing Project (ESP), and 1000 Genomes Project. To date, this alteration has been detected with an allele frequency of approximately 0.003% (greater than 31000 alleles tested) in our clinical cohort (includes this individual). Based on protein sequence alignment, this amino acid position is well conserved through mammals. In addition, this alteration is predicted to be tolerated by in silico analysis. Since supporting evidence is limited at this time, the clinical significance of p.A417T remains unclear.